The following is an entry in ClinVar:

ClinVar aggregate classification (germline): Benign (1 of 4 stars; one submission).

Submission:

GeneDx
Classification: Benign. Last evaluated: 2018-06-19. Review status: criteria provided, single submitter. Criteria: GeneDx Variant Classification (06012015). Collection method: clinical testing. Allele origin: germline. Affected: yes.
Comment: This variant is considered likely benign or benign based on one or more of the following criteria: it is a conservative change, it occurs at a poorly conserved position in the protein, it is predicted to be benign by multiple in silico algorithms, and/or has population frequency not consistent with disease.

NM_022726.4(ELOVL4):c.370-166del

Gene: ELOVL4 (ELOVL fatty acid elongase 4; minus strand). Cytogenetic location: 6q14.1.
Variant type: Deletion.
Coding change: c.370-166del on transcript NM_022726.4 (MANE Select); 166 bases into the intron before coding-DNA position 370, one base deleted (C; older notation c.370-166delC).
Molecular consequence: intron variant.
Genome position (GRCh38, 1-based): chr6:79,921,962, G deleted on the plus strand (C on the coding strand, the reverse complement: ELOVL4 is on the minus strand); the first of 4 consecutive G bases (chr6:79,921,962-79,921,965); deleting any one gives the same sequence. VCF-style (leftmost placement, unchanged base first): chr6-79921961-TG-T. GRCh37 (hg19) VCF-style: chr6-80631678-TG-T.
Identifiers: ClinVar variation 675836 (VCV000675836.1), dbSNP rs5877683, ClinGen allele CA142271159.